The following is an entry in ClinVar:

NM_000377.3(WAS):c.1289G>T (p.Gly430Val)

Gene: WAS (WASP actin nucleation promoting factor; plus strand). Cytogenetic location: Xp11.23.
Variant type: single nucleotide variant.
Coding change: c.1289G>T on transcript NM_000377.3 (MANE Select); coding-DNA position 1289, G replaced by T.
Protein change: p.Gly430Val; replaces glycine 430 with valine.
Molecular consequence: missense variant.
Genome position (GRCh38, 1-based): chrX:48,689,017, G>T. VCF-style: chrX-48689017-G-T. GRCh37 (hg19) VCF-style: chrX-48547406-G-T.
Other names: short protein forms G430V.
Identifiers: ClinVar variation 1698541 (VCV001698541.1), dbSNP rs1557007328, ClinGen allele CA412873655.
Genomic context (GRCh38, chrX:48,689,017, plus strand): 5'-CAGCCCCTCCCCCACTCCCTCCTGCTCTGGTGCCTGCCGGGGGCCTGGCCCCTGGTGGGG[G>T]TCGGGGAGCGCTTTTGGATCAAATCCGGCAGGGAATTCAGCTGAACAAGGTGAGGACAGG-3'
Protein context (NP_000368.1, residues 420-440): VPAGGLAPGG[Gly430Val]RGALLDQIRQ

ClinVar aggregate classification (germline): Uncertain significance (1 of 4 stars; one submission).

Submission:

Women's Health and Genetics/Laboratory Corporation of America, LabCorp
Classification: Uncertain significance. Last evaluated: 2022-06-10. Review status: criteria provided, single submitter. Criteria: LabCorp Variant Classification Summary - May 2015. Collection method: clinical testing. Allele origin: germline.
Comment: Variant summary: WAS c.1289G>T (p.Gly430Val) results in a non-conservative amino acid change located in the WH2 domain of the encoded protein sequence. Three of five in-silico tools predict a damaging effect of the variant on protein function. The variant was absent in 160220 control chromosomes. The available data on variant occurrences in the general population are insufficient to allow any conclusion about variant significance. To our knowledge, no occurrence of c.1289G>T in individuals affected with Wiskott-Aldrich Syndrome and no experimental evidence demonstrating its impact on protein function have been reported. No clinical diagnostic laboratories have submitted clinical-significance assessments for this variant to ClinVar after 2014. Based on the evidence outlined above, the variant was classified as uncertain significance.